The following is an entry in ClinVar:

NM_182914.3(SYNE2):c.20693T>G (p.Leu6898Arg)

Gene: SYNE2 (spectrin repeat containing nuclear envelope protein 2; plus strand). Cytogenetic location: 14q23.2.
Variant type: single nucleotide variant.
Coding change: c.20693T>G on transcript NM_182914.3 (MANE Select); coding-DNA position 20693, T replaced by G.
Protein change: p.Leu6898Arg; replaces leucine 6898 with arginine.
Molecular consequence: missense variant.
Genome position (GRCh38, 1-based): chr14:64,225,495, T>G. VCF-style: chr14-64225495-T-G. GRCh37 (hg19) VCF-style: chr14-64692213-T-G.
Other names: c.20627T>G, p.Leu6876Arg (NM_015180.6); c.1259T>G, p.Leu420Arg (NM_182910.2); c.1640T>G, p.Leu547Arg (NM_182913.4); short protein forms L6876R, L547R, L420R, L6898R.
Identifiers: ClinVar variation 949200 (VCV000949200.9), dbSNP rs2098715170, ClinGen allele CA389986126.

ClinVar aggregate classification (germline): Uncertain significance (1 of 4 stars; one submission).

Conditions:
Emery-Dreifuss muscular dystrophy 5, autosomal dominant (EDMD5). Also called: EMERY-DREIFUSS MUSCULAR DYSTROPHY 5. Identifiers: Orphanet 261, MedGen C2751805, MONDO:0013072, OMIM 612999.

Submission:

Labcorp Genetics (formerly Invitae), Labcorp
Classification: Uncertain significance for Emery-Dreifuss muscular dystrophy 5, autosomal dominant. Last evaluated: 2019-06-02. Review status: criteria provided, single submitter. Criteria: Invitae Variant Classification Sherloc (09022015). Collection method: clinical testing. Allele origin: germline.
Comment: This sequence change replaces leucine with arginine at codon 6898 of the SYNE2 protein (p.Leu6898Arg). The leucine residue is moderately conserved and there is a moderate physicochemical difference between leucine and arginine. In summary, the available evidence is currently insufficient to determine the role of this variant in disease. Therefore, it has been classified as a Variant of Uncertain Significance. Algorithms developed to predict the effect of missense changes on protein structure and function are either unavailable or do not agree on the potential impact of this missense change (SIFT: "Deleterious"; PolyPhen-2: "Probably Damaging"; Align-GVGD: "Class C0"). This variant has not been reported in the literature in individuals with SYNE2-related conditions. This variant is not present in population databases (ExAC no frequency).